The following is an entry in ClinVar:

ClinVar aggregate classification (germline): Benign/Likely benign. Review status: criteria provided, multiple submitters, no conflicts (2 of 4 stars). 7 submissions from 7 submitters: Benign (6); Likely benign (1). Last evaluated 2026-08-01.

Conditions:
Combined malonic and methylmalonic acidemia. Identifiers: Orphanet 289504, MedGen C3280314, MONDO:0013661, OMIM 614265.

Allele frequency attached by ClinVar (database versions not stated): 1000 Genomes Project 30x 0.00625; 1000 Genomes Project 0.00639; ExAC 0.00909; gnomAD 0.00923 and 0.00907; gnomAD exomes 0.00924 and 0.00955; TOPMed 0.00796; ESP Exome Variant Server 0.00862.
gnomAD v4.1: 15,390 of 1,613,294 alleles (0.95%); highest among the groups gnomAD compares: Middle Eastern, 1.5%; 108 homozygotes.

Submissions (7):

CeGaT Center for Human Genetics Tuebingen
Classification: Benign. Last evaluated: 2026-08-01. Review status: criteria provided, single submitter. Criteria: CeGaT Center For Human Genetics Tuebingen Variant Classification Criteria Version 2. Collection method: clinical testing. Allele origin: germline. Affected: yes. Observed: 12 variant alleles.
Comment: ACSF3: BS1, BS2

Labcorp Genetics (formerly Invitae), Labcorp
Classification: Benign for Combined malonic and methylmalonic acidemia. Last evaluated: 2026-02-02. Review status: criteria provided, single submitter. Criteria: Invitae Variant Classification Sherloc (09022015). Collection method: clinical testing. Allele origin: germline.

Genomic Medicine Center of Excellence, King Faisal Specialist Hospital and Research Centre
Classification: Likely benign. Last evaluated: 2025-08-18. Review status: criteria provided, single submitter. Criteria: ACMG Guidelines, 2015. Collection method: clinical testing. Allele origin: germline.

ARUP Laboratories, Molecular Genetics and Genomics, ARUP Laboratories
Classification: Benign for Combined malonic and methylmalonic acidemia. Last evaluated: 2023-11-01. Review status: criteria provided, single submitter. Criteria: ARUP Molecular Germline Variant Investigation Process 2024. Collection method: clinical testing. Allele origin: germline.

Mayo Clinic Laboratories, Mayo Clinic
Classification: Benign. Last evaluated: 2023-05-09. Review status: criteria provided, single submitter. Criteria: ACMG Guidelines, 2015. Collection method: clinical testing. Allele origin: germline. Observed: 3 variant alleles.
Comment: BA1, BP4, BP7

GeneDx
Classification: Benign. Last evaluated: 2019-09-17. Review status: criteria provided, single submitter. Criteria: GeneDx Variant Classification Process June 2021. Collection method: clinical testing. Allele origin: germline. Affected: yes.

Breakthrough Genomics
Classification: Benign. Review status: criteria provided, single submitter. Criteria: ACMG Guidelines, 2015. Collection method: not provided. Allele origin: germline. Inheritance: Unknown mechanism. Affected: yes.

NM_001243279.3(ACSF3):c.667-13T>C

Gene: ACSF3 (acyl-CoA synthetase family member 3; plus strand). Cytogenetic location: 16q24.3.
Variant type: single nucleotide variant.
Coding change: c.667-13T>C on transcript NM_001243279.3 (MANE Select); 13 bases into the intron before coding-DNA position 667, T replaced by C.
Molecular consequence: intron variant.
Genome position (GRCh38, 1-based): chr16:89,102,591, T>C. VCF-style: chr16-89102591-T-C. GRCh37 (hg19) VCF-style: chr16-89168999-T-C.
Other names: p.?; c.667-13T>C (NM_001127214.4, NM_174917.5); c.-129-13T>C (NM_001284316.2).
Identifiers: ClinVar variation 513287 (VCV000513287.40), dbSNP rs139367843, ClinGen allele CA8237753.